The following is an entry in ClinVar:

NM_015178.3(RHOBTB2):c.1115G>A (p.Arg372Gln)

Gene: RHOBTB2 (Rho related BTB domain containing 2; plus strand). Cytogenetic location: 8p21.3.
Variant type: single nucleotide variant.
Coding change: c.1115G>A on transcript NM_015178.3 (MANE Select); coding-DNA position 1115, G replaced by A.
Protein change: p.Arg372Gln; replaces arginine 372 with glutamine.
Molecular consequence: missense variant.
Genome position (GRCh38, 1-based): chr8:23,007,360, G>A. VCF-style: chr8-23007360-G-A. GRCh37 (hg19) VCF-style: chr8-22864873-G-A.
Other names: c.1181G>A (NM_001160036.1); c.1181G>A, p.Arg394Gln (NM_001160036.2); c.1136G>A, p.Arg379Gln (NM_001160037.2); c.1115G>A, p.Arg372Gln (NM_001374791.1); short protein forms R372Q, R379Q, R394Q.
Identifiers: ClinVar variation 1350791 (VCV001350791.9), dbSNP rs142645813, ClinGen allele CA4672608.

ClinVar aggregate classification (germline): Conflicting classifications of pathogenicity. Review status: criteria provided, conflicting classifications (1 of 4 stars). 2 submissions from 2 submitters: Uncertain significance (1); Likely benign (1). Last evaluated 2026-01-11.

Conditions:
Inborn genetic diseases. Identifiers: MedGen C0950123, MeSH D030342.

Allele frequency attached by ClinVar (database versions not stated): gnomAD exomes 0.00001 and 0.00002; ExAC 0.00004; gnomAD 0.00006 and 0.00007; TOPMed 0.00008; 1000 Genomes Project 30x 0.00016; 1000 Genomes Project 0.00020; ESP Exome Variant Server 0.00023.
gnomAD v4.1: 28 of 1,613,782 alleles (0.0017%); highest among the groups gnomAD compares: African/African-American, 0.024%; no homozygotes.

Submissions (2):

Labcorp Genetics (formerly Invitae), Labcorp
Classification: Uncertain significance. Last evaluated: 2026-01-11. Review status: criteria provided, single submitter. Criteria: Invitae Variant Classification Sherloc (09022015). Collection method: clinical testing. Allele origin: germline.
Comment: This sequence change replaces arginine, which is basic and polar, with glutamine, which is neutral and polar, at codon 394 of the RHOBTB2 protein (p.Arg394Gln). This variant is present in population databases (rs142645813, gnomAD 0.01%). This variant has not been reported in the literature in individuals affected with RHOBTB2-related conditions. ClinVar contains an entry for this variant (Variation ID: 1350791). Invitae Evidence Modeling of protein sequence and biophysical properties (such as structural, functional, and spatial information, amino acid conservation, physicochemical variation, residue mobility, and thermodynamic stability) indicates that this missense variant is not expected to disrupt RHOBTB2 protein function with a negative predictive value of 80%. In summary, the available evidence is currently insufficient to determine the role of this variant in disease. Therefore, it has been classified as a Variant of Uncertain Significance.

Ambry Genetics
Classification: Likely benign for Inborn genetic diseases. Last evaluated: 2024-05-20. Review status: criteria provided, single submitter. Criteria: Ambry Variant Classification Scheme 2023. Collection method: clinical testing. Allele origin: germline.